The following is an entry in ClinVar:

NM_013280.5(FLRT1):c.1042G>A (p.Ala348Thr)

Genes: FLRT1 (fibronectin leucine rich transmembrane protein 1; plus strand), MACROD1 (mono-ADP ribosylhydrolase 1; minus strand). Cytogenetic location: 11q13.1.
Variant type: single nucleotide variant.
Coding change: c.1042G>A on transcript NM_013280.5 (MANE Select); coding-DNA position 1042, G replaced by A.
Protein change: p.Ala348Thr; replaces alanine 348 with threonine.
Molecular consequence: missense variant. On other transcripts: intron variant (2).
Genome position (GRCh38, 1-based): chr11:64,117,309, G>A. VCF-style: chr11-64117309-G-A. GRCh37 (hg19) VCF-style: chr11-63884781-G-A.
Other names: c.1042G>A, p.Ala348Thr (NM_001384466.1); c.958G>A, p.Ala320Thr (NM_001423967.1); c.517+33930C>T (NM_001411019.1, NM_014067.4); short protein forms A348T, A320T.
Identifiers: ClinVar variation 1348453 (VCV001348453.8), dbSNP rs1945005930, ClinGen allele CA381059338.

ClinVar aggregate classification (germline): Uncertain significance (1 of 4 stars; one submission).

Conditions:
Peripheral neuropathy. Also called: Neuropathy. Identifiers: MedGen C0031117, MONDO:0005244, HP:0009830.

Allele frequency attached by ClinVar (database versions not stated): gnomAD exomes below 0.00001; gnomAD 0.00001; TOPMed 0.00001.
gnomAD v4.1: 3 of 1,614,024 alleles (0.00019%); highest among the groups gnomAD compares: Non-Finnish European, 0.00017%; no homozygotes.

Submission:

Labcorp Genetics (formerly Invitae), Labcorp
Classification: Uncertain significance for Peripheral neuropathy. Last evaluated: 2021-01-20. Review status: criteria provided, single submitter. Criteria: Invitae Variant Classification Sherloc (09022015). Collection method: clinical testing. Allele origin: germline.
Comment: This sequence change replaces alanine with threonine at codon 348 of the FLRT1 protein (p.Ala348Thr). The alanine residue is highly conserved and there is a small physicochemical difference between alanine and threonine. This variant is not present in population databases (ExAC no frequency). This variant has not been reported in the literature in individuals with FLRT1-related conditions. Algorithms developed to predict the effect of missense changes on protein structure and function output the following: SIFT: "Deleterious"; PolyPhen-2: "Benign"; Align-GVGD: "Class C0". The threonine amino acid residue is found in multiple mammalian species, suggesting that this missense change does not adversely affect protein function. These predictions have not been confirmed by published functional studies and their clinical significance is uncertain. In summary, the available evidence is currently insufficient to determine the role of this variant in disease. Therefore, it has been classified as a Variant of Uncertain Significance.